The following is an entry in ClinVar:

ClinVar aggregate classification (germline): Uncertain significance (1 of 4 stars; one submission).

Allele frequency attached by ClinVar (database versions not stated): gnomAD exomes 0.00003; gnomAD 0.00004 and 0.00005; TOPMed 0.00004; ExAC 0.00007; 1000 Genomes Project 30x 0.00016; 1000 Genomes Project 0.00020.

Submission:

Labcorp Genetics (formerly Invitae), Labcorp
Classification: Uncertain significance. Last evaluated: 2022-08-09. Review status: criteria provided, single submitter. Criteria: Invitae Variant Classification Sherloc (09022015). Collection method: clinical testing. Allele origin: germline.
Comment: This sequence change replaces alanine, which is neutral and non-polar, with valine, which is neutral and non-polar, at codon 35 of the CANT1 protein (p.Ala35Val). This variant is present in population databases (rs533143041, gnomAD 0.02%). This variant has not been reported in the literature in individuals affected with CANT1-related conditions. ClinVar contains an entry for this variant (Variation ID: 1504985). Algorithms developed to predict the effect of missense changes on protein structure and function (SIFT, PolyPhen-2, Align-GVGD) all suggest that this variant is likely to be tolerated. In summary, the available evidence is currently insufficient to determine the role of this variant in disease. Therefore, it has been classified as a Variant of Uncertain Significance.

NM_001159773.2(CANT1):c.104C>T (p.Ala35Val)

Gene: CANT1 (calcium activated nucleotidase 1; minus strand). Cytogenetic location: 17q25.3.
Variant type: single nucleotide variant.
Coding change: c.104C>T on transcript NM_001159773.2 (MANE Select); coding-DNA position 104, C replaced by T.
Protein change: p.Ala35Val; replaces alanine 35 with valine.
Molecular consequence: missense variant.
Genome position (GRCh38, 1-based): chr17:78,997,519, G>A on the plus strand (C>T on the coding strand, the complement: CANT1 is on the minus strand). VCF-style: chr17-78997519-G-A. GRCh37 (hg19) VCF-style: chr17-76993601-G-A.
Other names: c.104C>T, p.Ala35Val (NM_001159772.2, NM_138793.4); short protein forms A35V.
Identifiers: ClinVar variation 1504985 (VCV001504985.5), dbSNP rs533143041, ClinGen allele CA8808821.